The following is an entry in ClinVar:

ClinVar aggregate classification (germline): Uncertain significance. Review status: criteria provided, multiple submitters, no conflicts (2 of 4 stars). 2 submissions from 2 submitters: Uncertain significance (2). Last evaluated 2026-08-03.

Conditions:
Familial thoracic aortic aneurysm and aortic dissection (TAAD). Also called: Thoracic aortic aneurysms and dissections. Identifiers: Orphanet 91387, MedGen C4707243, MONDO:0019625.

gnomAD v4.1: 8 of 1,608,830 alleles (0.0005%); highest among the groups gnomAD compares: Non-Finnish European, 0.00068%; no homozygotes.

Submissions (2):

Ambry Genetics
Classification: Uncertain significance for Familial thoracic aortic aneurysm and aortic dissection. Last evaluated: 2026-08-03. Review status: criteria provided, single submitter. Criteria: Ambry Variant Classification Scheme 2023. Collection method: clinical testing. Allele origin: germline.
Comment: The p.H181R variant (also known as c.542A>G), located in coding exon 7 of the COL5A2 gene, results from an A to G substitution at nucleotide position 542. The histidine at codon 181 is replaced by arginine, an amino acid with highly similar properties. This amino acid position is conserved. In addition, the in silico prediction for this alteration is inconclusive. Based on the available evidence, the clinical significance of this variant remains unclear.

GeneDx
Classification: Uncertain significance. Last evaluated: 2023-06-01. Review status: criteria provided, single submitter. Criteria: GeneDx Variant Classification Process June 2021. Collection method: clinical testing. Allele origin: germline. Affected: yes.
Comment: Not observed at significant frequency in large population cohorts (gnomAD); In silico analysis supports that this missense variant does not alter protein structure/function; Not located in the triple helical region, where the majority of pathogenic missense variants occur (Symoens et al., 2012; HGMD); Has not been previously published as pathogenic or benign to our knowledge; This variant is associated with the following publications: (PMID: 22696272)

NM_000393.5(COL5A2):c.542A>G (p.His181Arg)

Gene: COL5A2 (collagen type V alpha 2 chain; minus strand). Cytogenetic location: 2q32.2.
Variant type: single nucleotide variant.
Coding change: c.542A>G on transcript NM_000393.5 (MANE Select); coding-DNA position 542, A replaced by G.
Protein change: p.His181Arg; replaces histidine 181 with arginine.
Molecular consequence: missense variant.
Genome position (GRCh38, 1-based): chr2:189,092,335, T>C on the plus strand (A>G on the coding strand, the complement: COL5A2 is on the minus strand). VCF-style: chr2-189092335-T-C. GRCh37 (hg19) VCF-style: chr2-189957061-T-C.
Other names: short protein forms H181R.
Identifiers: ClinVar variation 3359309 (VCV003359309.2).